The following is an entry in ClinVar:

NM_018063.5(HELLS):c.1774G>A (p.Glu592Lys)

Gene: HELLS (helicase, lymphoid specific; plus strand). Cytogenetic location: 10q23.33.
Variant type: single nucleotide variant.
Coding change: c.1774G>A on transcript NM_018063.5 (MANE Select); coding-DNA position 1774, G replaced by A.
Protein change: p.Glu592Lys; replaces glutamic acid 592 with lysine.
Molecular consequence: missense variant.
Genome position (GRCh38, 1-based): chr10:94,592,235, G>A. VCF-style: chr10-94592235-G-A. GRCh37 (hg19) VCF-style: chr10-96351992-G-A.
Other names: c.1912G>A, p.Glu638Lys (NM_001289067.2); c.1726G>A, p.Glu576Lys (NM_001289068.2); c.1678G>A, p.Glu560Lys (NM_001289069.2); c.1480G>A, p.Glu494Lys (NM_001289070.2); c.1402G>A, p.Glu468Lys (NM_001289071.2); c.1384G>A, p.Glu462Lys (NM_001289072.2); c.1360G>A, p.Glu454Lys (NM_001289073.2); c.691G>A, p.Glu231Lys (NM_001289074.2); and 1 more; short protein forms E186K, E454K, E560K, E576K, E638K, E231K, E462K, E468K.
Identifiers: ClinVar variation 2014138 (VCV002014138.4), dbSNP rs1336748121, ClinGen allele CA377666914.

ClinVar aggregate classification (germline): Uncertain significance (1 of 4 stars; one submission).

Allele frequency attached by ClinVar (database versions not stated): gnomAD exomes below 0.00001.
gnomAD v4.1: 1 of 1,607,668 alleles (0.000062%); highest among the groups gnomAD compares: Non-Finnish European, 0.000085%; no homozygotes.

Submission:

Labcorp Genetics (formerly Invitae), Labcorp
Classification: Uncertain significance. Last evaluated: 2022-07-04. Review status: criteria provided, single submitter. Criteria: Invitae Variant Classification Sherloc (09022015). Collection method: clinical testing. Allele origin: germline.
Comment: In summary, the available evidence is currently insufficient to determine the role of this variant in disease. Therefore, it has been classified as a Variant of Uncertain Significance. Algorithms developed to predict the effect of missense changes on protein structure and function (SIFT, PolyPhen-2, Align-GVGD) all suggest that this variant is likely to be disruptive. This variant has not been reported in the literature in individuals affected with HELLS-related conditions. This variant is present in population databases (no rsID available, gnomAD 0.0009%). This sequence change replaces glutamic acid, which is acidic and polar, with lysine, which is basic and polar, at codon 592 of the HELLS protein (p.Glu592Lys).